The following is an entry in ClinVar:

NM_014974.3(DIP2C):c.4250A>G (p.Tyr1417Cys)

Gene: DIP2C (DIP2 acetate--CoA ligase C (putative); minus strand). Cytogenetic location: 10p15.3.
Variant type: single nucleotide variant.
Coding change: c.4250A>G on transcript NM_014974.3 (MANE Select); coding-DNA position 4250, A replaced by G.
Protein change: p.Tyr1417Cys; replaces tyrosine 1417 with cysteine.
Molecular consequence: missense variant.
Genome position (GRCh38, 1-based): chr10:283,316, T>C on the plus strand (A>G on the coding strand, the complement: DIP2C is on the minus strand). VCF-style: chr10-283316-T-C. GRCh37 (hg19) VCF-style: chr10-329256-T-C.
Other names: c.4250A>G (NM_014974.2); short protein forms Y1417C.
Identifiers: ClinVar variation 4768298 (VCV004768298.2).
Genomic context (GRCh38, chr10:283,316, plus strand): 5'-CAGCCTGGACTCTCACCTCCATTTGCATCTGTGAGCTCAGTTCTCCGCAGGAACCCCAAG[T>C]AGCCTGTGCGTGCCCAGATGGTCTGGGTGTCTCCAAAACTTAGTCTTGAGTTGAAGTGAT-3'
Protein context (NP_055789.1, residues 1407-1427): DTQTIWARTG[Tyr1417Cys]LGFLRRTELT

ClinVar aggregate classification (germline): Uncertain significance. Review status: criteria provided, multiple submitters, no conflicts (2 of 4 stars). 2 submissions from 2 submitters: Uncertain significance (2). Last evaluated 2026-02-17.

Conditions:
Inborn genetic diseases. Identifiers: MedGen C0950123, MeSH D030342.

gnomAD v4.1: 82 of 1,613,940 alleles (0.0051%); highest among the groups gnomAD compares: Non-Finnish European, 0.0069%; no homozygotes.

Submissions (2):

Ambry Genetics
Classification: Uncertain significance for Inborn genetic diseases. Last evaluated: 2026-02-17. Review status: criteria provided, single submitter. Criteria: Ambry Variant Classification Scheme 2023. Collection method: clinical testing. Allele origin: germline.

Labcorp Genetics (formerly Invitae), Labcorp
Classification: Uncertain significance. Last evaluated: 2025-12-02. Review status: criteria provided, single submitter. Criteria: Invitae Variant Classification Sherloc (09022015). Collection method: clinical testing. Allele origin: germline.
Comment: This sequence change replaces tyrosine, which is neutral and polar, with cysteine, which is neutral and slightly polar, at codon 1417 of the DIP2C protein (p.Tyr1417Cys). This variant is present in population databases (rs757875245, gnomAD 0.0009%). This variant has not been reported in the literature in individuals affected with DIP2C-related conditions. An algorithm developed to predict the effect of missense changes on protein structure and function (PolyPhen-2) suggests that this variant is likely to be disruptive. In summary, the available evidence is currently insufficient to determine the role of this variant in disease. Therefore, it has been classified as a Variant of Uncertain Significance.